The following is an entry in ClinVar:

ClinVar aggregate classification (germline): Uncertain significance (1 of 4 stars; one submission).

Conditions:
Pyogenic arthritis-pyoderma gangrenosum-acne syndrome (PAPA). Also called: FAMILIAL RECURRENT ARTHRITIS; PAPA SYNDROME. Identifiers: Orphanet 69126, MedGen C1858361, MONDO:0011462, OMIM 604416.

Submission:

Labcorp Genetics (formerly Invitae), Labcorp
Classification: Uncertain significance for Pyogenic arthritis-pyoderma gangrenosum-acne syndrome. Last evaluated: 2025-03-21. Review status: criteria provided, single submitter. Criteria: Invitae Variant Classification Sherloc (09022015). Collection method: clinical testing. Allele origin: germline.
Comment: This sequence change replaces leucine, which is neutral and non-polar, with valine, which is neutral and non-polar, at codon 57 of the PSTPIP1 protein (p.Leu57Val). This variant is not present in population databases (gnomAD no frequency). This variant has not been reported in the literature in individuals affected with PSTPIP1-related conditions. Invitae Evidence Modeling of protein sequence and biophysical properties (such as structural, functional, and spatial information, amino acid conservation, physicochemical variation, residue mobility, and thermodynamic stability) indicates that this missense variant is expected to disrupt PSTPIP1 protein function with a positive predictive value of 80%. In summary, the available evidence is currently insufficient to determine the role of this variant in disease. Therefore, it has been classified as a Variant of Uncertain Significance.

NM_003978.5(PSTPIP1):c.169C>G (p.Leu57Val)

Gene: PSTPIP1 (proline-serine-threonine phosphatase interacting protein 1; plus strand). Cytogenetic location: 15q24.3.
Variant type: single nucleotide variant.
Coding change: c.169C>G on transcript NM_003978.5 (MANE Select); coding-DNA position 169, C replaced by G.
Protein change: p.Leu57Val; replaces leucine 57 with valine.
Molecular consequence: missense variant. On other transcripts: non-coding transcript variant (1).
Genome position (GRCh38, 1-based): chr15:77,018,488, C>G. VCF-style: chr15-77018488-C-G. GRCh37 (hg19) VCF-style: chr15-77310829-C-G.
Other names: c.169C>G, p.Leu57Val (NM_001321135.2, NM_001411086.1); c.142C>G, p.Leu48Val (NM_001321136.2); c.364C>G, p.Leu122Val (NM_001321137.1); short protein forms L48V, L122V, L57V.
Identifiers: ClinVar variation 4742516 (VCV004742516.1).